The following is an entry in ClinVar:

ClinVar aggregate classification (germline): Conflicting classifications of pathogenicity. Review status: criteria provided, conflicting classifications (1 of 4 stars). 4 submissions from 4 submitters: Uncertain significance (1); Likely benign (3). Last evaluated 2025-03-01.

Conditions:
Pontocerebellar hypoplasia, hypotonia, and respiratory insufficiency syndrome, neonatal lethal. Also called: PHRINL SYNDROME. Identifiers: Orphanet 615954, MedGen C5394137, MONDO:0032931, OMIM 618810.
Harel-Yoon syndrome (HAYOS). Also called: Optic atrophy-peripheral neuropathy-developmental delay syndrome. Identifiers: Orphanet 496790, MedGen C4310677, MONDO:0014958, OMIM 617183.
Intellectual disability. Also called: Intellectual developmental disorder; Intellectual functioning disability; intellectual disabilities. Identifiers: MedGen C3714756, MeSH D008607, MONDO:0001071, HP:0001249.

Allele frequency attached by ClinVar (database versions not stated): gnomAD exomes 0.00118; ExAC 0.00178; gnomAD 0.00200 and 0.00223; 1000 Genomes Project 30x 0.00359.
gnomAD v4.1: 3,390 of 1,588,220 alleles (0.21%); highest among the groups gnomAD compares: Middle Eastern, 0.71%; 15 homozygotes.

Submissions (4):

CeGaT Center for Human Genetics Tuebingen
Classification: Likely benign. Last evaluated: 2025-03-01. Review status: criteria provided, single submitter. Criteria: CeGaT Center For Human Genetics Tuebingen Variant Classification Criteria Version 2. Collection method: clinical testing. Allele origin: germline. Affected: yes. Observed: 6 variant alleles.
Comment: ATAD3A: BS2

Blueprint Genetics
Classification: Likely benign. Last evaluated: 2024-11-21. Review status: criteria provided, single submitter. Criteria: ACMG Guidelines, 2015. Collection method: clinical testing. Allele origin: germline.

Fulgent Genetics
Classification: Likely benign for Harel-Yoon syndrome; Pontocerebellar hypoplasia, hypotonia, and respiratory insufficiency syndrome, neonatal lethal. Last evaluated: 2021-08-05. Review status: criteria provided, single submitter. Criteria: ACMG Guidelines, 2015. Collection method: clinical testing. Allele origin: unknown.

Cambridge Genomics Laboratory, East Genomic Laboratory Hub, NHS Genomic Medicine Service
Classification: Uncertain significance for Intellectual disability. Last evaluated: 2020-03-20. Review status: criteria provided, single submitter. Criteria: ACGS Best Practice Guidelines for Variant Classification in Rare Disease 2020. Collection method: clinical testing. Allele origin: germline. Affected: yes. Observed: 1 variant allele.

NM_001170535.3(ATAD3A):c.646G>T (p.Ala216Ser)

Gene: ATAD3A (ATPase family AAA domain containing 3A; plus strand). Cytogenetic location: 1p36.33.
Variant type: single nucleotide variant.
Coding change: c.646G>T on transcript NM_001170535.3 (MANE Select); coding-DNA position 646, G replaced by T.
Protein change: p.Ala216Ser; replaces alanine 216 with serine.
Molecular consequence: missense variant.
Genome position (GRCh38, 1-based): chr1:1,520,272, G>T. VCF-style: chr1-1520272-G-T. GRCh37 (hg19) VCF-style: chr1-1455652-G-T.
Other names: c.409G>T, p.Ala137Ser (NM_001170536.3); c.790G>T, p.Ala264Ser (NM_018188.5); short protein forms A137S, A216S, A264S.
Identifiers: ClinVar variation 1694480 (VCV001694480.34), dbSNP rs2767471, ClinGen allele CA525879.